The following is an entry in ClinVar:

NM_001089.3(ABCA3):c.3208G>A (p.Ala1070Thr)

Gene: ABCA3 (ATP binding cassette subfamily A member 3; minus strand). Cytogenetic location: 16p13.3.
Variant type: single nucleotide variant.
Coding change: c.3208G>A on transcript NM_001089.3 (MANE Select); coding-DNA position 3208, G replaced by A.
Protein change: p.Ala1070Thr; replaces alanine 1070 with threonine.
Molecular consequence: missense variant.
Genome position (GRCh38, 1-based): chr16:2,286,764, C>T on the plus strand (G>A on the coding strand, the complement: ABCA3 is on the minus strand). VCF-style: chr16-2286764-C-T. GRCh37 (hg19) VCF-style: chr16-2336765-C-T.
Other names: short protein forms A1070T.
Identifiers: ClinVar variation 2736308 (VCV002736308.6), dbSNP rs1165435486, ClinGen allele CA394319492.
Genomic context (GRCh38, chr16:2,286,764, plus strand): 5'-GGTCCTTGGCAGCCTGCAGGGCGCTCCGGGGCTGGGGGAAGTTGGAGACCACAATGGAGG[C>T]GTGAGGCCCGCACAGCAGCTTGAACAGAAGGTTGTCCACGACGGCCAGGGCAGTGGCTGG-3'
Protein context (NP_001080.2, residues 1060-1080): LLFKLLCGPH[Ala1070Thr]SIVVSNFPQP

ClinVar aggregate classification (germline): Likely pathogenic. Review status: criteria provided, multiple submitters, no conflicts (2 of 4 stars). 2 submissions from 2 submitters: Likely pathogenic (2). Last evaluated 2025-12-17.

Conditions:
Interstitial lung disease due to ABCA3 deficiency. Also called: PULMONARY ALVEOLAR PROTEINOSIS, CONGENITAL, 3. Identifiers: Orphanet 440402, MedGen C1970456, MONDO:0012582, OMIM 610921.

Allele frequency attached by ClinVar (database versions not stated): gnomAD exomes below 0.00001; TOPMed below 0.00001; gnomAD 0.00001.
gnomAD v4.1: 6 of 1,613,948 alleles (0.00037%); highest among the groups gnomAD compares: South Asian, 0.0011%; no homozygotes.

Submissions (2):

Labcorp Genetics (formerly Invitae), Labcorp
Classification: Likely pathogenic. Last evaluated: 2025-12-17. Review status: criteria provided, single submitter. Criteria: Invitae Variant Classification Sherloc (09022015). Collection method: clinical testing. Allele origin: germline.
Comment: This sequence change replaces alanine, which is neutral and non-polar, with threonine, which is neutral and polar, at codon 1070 of the ABCA3 protein (p.Ala1070Thr). This variant is not present in population databases (gnomAD no frequency). This missense change has been observed in individual(s) with interstitial lung disease (PMID: 24871971, 32800039; internal data). In at least one individual the data is consistent with being in trans (on the opposite chromosome) from a pathogenic variant. ClinVar contains an entry for this variant (Variation ID: 2736308). Invitae Evidence Modeling of protein sequence and biophysical properties (such as structural, functional, and spatial information, amino acid conservation, physicochemical variation, residue mobility, and thermodynamic stability) indicates that this missense variant is not expected to disrupt ABCA3 protein function with a negative predictive value of 80%. In summary, the currently available evidence indicates that the variant is pathogenic, but additional data are needed to prove that conclusively. Therefore, this variant has been classified as Likely Pathogenic.

Women's Health and Genetics/Laboratory Corporation of America, LabCorp
Classification: Likely pathogenic for Interstitial lung disease due to ABCA3 deficiency. Last evaluated: 2025-10-14. Review status: criteria provided, single submitter. Criteria: LabCorp Variant Classification Summary - May 2015. Collection method: clinical testing. Allele origin: germline.
Comment: Variant summary: ABCA3 c.3208G>A (p.Ala1070Thr) results in a non-conservative amino acid change in the encoded protein sequence. Algorithms developed to predict the effect of missense changes on protein structure and function all suggest that this variant is likely to be disruptive. The frequency data for this variant in gnomAD is considered unreliable, as metrics indicate poor data quality at this position. c.3208G>A has been reported in the literature in individuals affected with interstitial lung disease (e.g. Agarwal_2012, Wambach_2014, Wu_2020, internal data). These data indicate that the variant may be associated with disease. To our knowledge, no experimental evidence demonstrating an impact on protein function has been reported. The following publications have been ascertained in the context of this evaluation (PMID: 22337229, 24871971, 32800039). ClinVar contains an entry for this variant (Variation ID: 2736308). Based on the evidence outlined above, the variant was classified as likely pathogenic.

Literature cited by the submitters: PubMed 24871971 (cited by Labcorp Genetics (formerly Invitae), Labcorp and Women's Health and Genetics/Laboratory Corporation of America, LabCorp); PubMed 32800039 (cited by Labcorp Genetics (formerly Invitae), Labcorp and Women's Health and Genetics/Laboratory Corporation of America, LabCorp); PubMed 22337229 (cited by Women's Health and Genetics/Laboratory Corporation of America, LabCorp).